The following is an entry in ClinVar:

Conditions:
Breast-ovarian cancer, familial, susceptibility to, 1 (BROVCA1). Also called: BRCA1 Hereditary Breast and Ovarian Cancer; OVARIAN CANCER, SUSCEPTIBILITY TO. Identifiers: Orphanet 145, MedGen C2676676, MONDO:0011450, OMIM 604370. Disease mechanism: loss of function.

Submission:

Brotman Baty Institute, University of Washington
No classification provided (evidence only). Condition: Breast-ovarian cancer, familial 1. Review status: no classification provided. Collection method: in vitro. Allele origin: not applicable. Functional consequence: functionally_normal.
ClinVar note: "not provided" was previously submitted as the classification for the variant. However, the classification appeared to be based only on an observation of functional data so it was converted to no classification on 2025-07-30.

NM_007294.4(BRCA1):c.5434C>A (p.Pro1812Thr)

Gene: BRCA1 (BRCA1 DNA repair associated; minus strand). Cytogenetic location: 17q21.31.
Variant type: single nucleotide variant.
Coding change: c.5434C>A on transcript NM_007294.4 (MANE Select); coding-DNA position 5434, C replaced by A.
Protein change: p.Pro1812Thr; replaces proline 1812 with threonine.
Molecular consequence: missense variant. On other transcripts: non-coding transcript variant (1).
Genome position (GRCh38, 1-based): chr17:43,047,676, G>T on the plus strand (C>A on the coding strand, the complement: BRCA1 is on the minus strand). VCF-style: chr17-43047676-G-T. GRCh37 (hg19) VCF-style: chr17-41199693-G-T.
Other names: c.1981C>A, p.Pro661Thr (NM_001408462.1, NM_001408463.1, NM_001408464.1 and 7 more transcripts); c.1978C>A, p.Pro660Thr (NM_001408468.1, NM_001408469.1, NM_001408470.1); c.1912C>A, p.Pro638Thr (NM_001408483.1, NM_001408484.1, NM_001408485.1 and 5 more transcripts); c.1909C>A, p.Pro637Thr (NM_001408492.1, NM_001408493.1); c.1885C>A, p.Pro629Thr (NM_001408494.1); c.1855C>A, p.Pro619Thr (NM_001408505.1); c.1798C>A, p.Pro600Thr (NM_001408506.1); c.1795C>A, p.Pro599Thr (NM_001408507.1); and 83 more; short protein forms P1765T, P1833T, A683D, P1812T, P708T, A1786D, A1787D, A682D.
Identifiers: ClinVar variation 868487 (VCV000868487.3), dbSNP rs1800751, ClinGen allele CA10590562.